The following is an entry in ClinVar:

NM_152594.3(SPRED1):c.950C>T (p.Ser317Leu)

Gene: SPRED1 (sprouty related EVH1 domain containing 1; plus strand). Cytogenetic location: 15q14.
Variant type: single nucleotide variant.
Coding change: c.950C>T on transcript NM_152594.3 (MANE Select); coding-DNA position 950, C replaced by T.
Protein change: p.Ser317Leu; replaces serine 317 with leucine.
Molecular consequence: missense variant.
Genome position (GRCh38, 1-based): chr15:38,351,279, C>T. VCF-style: chr15-38351279-C-T. GRCh37 (hg19) VCF-style: chr15-38643480-C-T.
Other names: short protein forms S317L.
Identifiers: ClinVar variation 4827634 (VCV004827634.1).

ClinVar aggregate classification (germline): Uncertain significance (1 of 4 stars; one submission).

Conditions:
Cardiovascular phenotype. Identifiers: MedGen CN230736.

gnomAD v4.1: 2 of 1,614,070 alleles (0.00012%); highest among the groups gnomAD compares: East Asian, 0.0022%; no homozygotes.

Submission:

Ambry Genetics
Classification: Uncertain significance for Cardiovascular phenotype. Last evaluated: 2026-03-03. Review status: criteria provided, single submitter. Criteria: Ambry Variant Classification Scheme 2023. Collection method: clinical testing. Allele origin: germline.
Comment: The p.S317L variant (also known as c.950C>T), located in coding exon 7 of the SPRED1 gene, results from a C to T substitution at nucleotide position 950. The serine at codon 317 is replaced by leucine, an amino acid with dissimilar properties. This amino acid position is conserved. In addition, the in silico prediction for this alteration is inconclusive. Based on the available evidence, the clinical significance of this variant remains unclear.